The following is an entry in ClinVar:

ClinVar aggregate classification (germline): Uncertain significance (1 of 4 stars; one submission).

Allele frequency attached by ClinVar (database versions not stated): gnomAD exomes below 0.00001; ExAC 0.00002.
gnomAD v4.1: 2 of 1,614,012 alleles (0.00012%); highest among the groups gnomAD compares: Admixed American, 0.0017%; no homozygotes.

Submission:

GeneDx
Classification: Uncertain significance. Last evaluated: 2022-02-24. Review status: criteria provided, single submitter. Criteria: GeneDx Variant Classification Process June 2021. Collection method: clinical testing. Allele origin: germline. Affected: yes.
Comment: Not observed at significant frequency in large population cohorts (gnomAD); In silico analysis supports that this missense variant has a deleterious effect on protein structure/function; Has not been previously published as pathogenic or benign to our knowledge

NM_000069.3(CACNA1S):c.2926A>G (p.Lys976Glu)

Gene: CACNA1S (calcium voltage-gated channel subunit alpha1 S; minus strand). Cytogenetic location: 1q32.1.
Variant type: single nucleotide variant.
Coding change: c.2926A>G on transcript NM_000069.3 (MANE Select); coding-DNA position 2926, A replaced by G.
Protein change: p.Lys976Glu; replaces lysine 976 with glutamic acid.
Molecular consequence: missense variant.
Genome position (GRCh38, 1-based): chr1:201,062,071, T>C on the plus strand (A>G on the coding strand, the complement: CACNA1S is on the minus strand). VCF-style: chr1-201062071-T-C. GRCh37 (hg19) VCF-style: chr1-201031199-T-C.
Other names: short protein forms K976E.
Identifiers: ClinVar variation 1343054 (VCV001343054.2), dbSNP rs764838436, ClinGen allele CA079424.